The following is an entry in ClinVar:

NM_014795.4(ZEB2):c.404-193T>G

Gene: ZEB2 (zinc finger E-box binding homeobox 2; minus strand). Cytogenetic location: 2q22.3.
Variant type: single nucleotide variant.
Coding change: c.404-193T>G on transcript NM_014795.4 (MANE Select); 193 bases into the intron before coding-DNA position 404, T replaced by G.
Molecular consequence: intron variant.
Genome position (GRCh38, 1-based): chr2:144,405,217, A>C on the plus strand (T>G on the coding strand, the complement: ZEB2 is on the minus strand). VCF-style: chr2-144405217-A-C. GRCh37 (hg19) VCF-style: chr2-145162784-A-C.
Other names: c.332-193T>G (NM_001171653.2).
Identifiers: ClinVar variation 670890 (VCV000670890.2), dbSNP rs77872690, ClinGen allele CA11340993.

ClinVar aggregate classification (germline): Benign. Review status: criteria provided, multiple submitters, no conflicts (2 of 4 stars). 2 submissions from 2 submitters: Benign (2). Last evaluated 2018-06-19.

Allele frequency attached by ClinVar (database versions not stated): 1000 Genomes Project 30x 0.03139; 1000 Genomes Project 0.03195; gnomAD 0.04603 and 0.04640; TOPMed 0.04689; gnomAD exomes 0.05654.
gnomAD v4.1: 34,249 of 629,330 alleles (5.4%); highest among the groups gnomAD compares: Middle Eastern, 13%; 1,264 homozygotes.

Submissions (2):

GeneDx
Classification: Benign. Last evaluated: 2018-06-19. Review status: criteria provided, single submitter. Criteria: GeneDx Variant Classification (06012015). Collection method: clinical testing. Allele origin: germline. Affected: yes.
Comment: This variant is considered likely benign or benign based on one or more of the following criteria: it is a conservative change, it occurs at a poorly conserved position in the protein, it is predicted to be benign by multiple in silico algorithms, and/or has population frequency not consistent with disease.

Breakthrough Genomics
Classification: Benign. Review status: criteria provided, single submitter. Criteria: ACMG Guidelines, 2015. Collection method: not provided. Allele origin: germline. Inheritance: Autosomal dominant inheritance. Affected: yes.